The following is an entry in ClinVar:

ClinVar aggregate classification (germline): Likely benign. Review status: criteria provided, multiple submitters, no conflicts (2 of 4 stars). 4 submissions from 4 submitters: Likely benign (4). Last evaluated 2026-01-24.

Conditions:
Long QT syndrome (LQTS). Identifiers: MedGen C0023976, MeSH D008133, MONDO:0002442. Disease mechanism: loss of function. Inheritance: Various modes of inheritance.
Cardiovascular phenotype. Identifiers: MedGen CN230736.
CAV3-related disorder. Also called: CAV3-related condition.

Allele frequency attached by ClinVar (database versions not stated): TOPMed 0.00004; gnomAD 0.00006 and 0.00008; ESP Exome Variant Server 0.00008; 1000 Genomes Project 30x 0.00016; 1000 Genomes Project 0.00020.
gnomAD v4.1: 122 of 1,614,036 alleles (0.0076%); highest among the groups gnomAD compares: East Asian, 0.045%; no homozygotes.

Submissions (4):

Labcorp Genetics (formerly Invitae), Labcorp
Classification: Likely benign for Long QT syndrome. Last evaluated: 2026-01-24. Review status: criteria provided, single submitter. Criteria: Invitae Variant Classification Sherloc (09022015). Collection method: clinical testing. Allele origin: germline.

PreventionGenetics, part of Exact Sciences
Classification: Likely benign for CAV3-related condition. Last evaluated: 2025-06-14. Review status: criteria provided, single submitter. Criteria: ACMG Guidelines, 2015. Collection method: clinical testing. Allele origin: germline.
Comment: This variant is classified as likely benign based on ACMG/AMP sequence variant interpretation guidelines (Richards et al. 2015 PMID: 25741868, with internal and published modifications).

Ambry Genetics
Classification: Likely benign for Cardiovascular phenotype. Last evaluated: 2025-01-10. Review status: criteria provided, single submitter. Criteria: Ambry Variant Classification Scheme 2023. Collection method: clinical testing. Allele origin: germline.

GeneDx
Classification: Likely benign. Last evaluated: 2017-07-13. Review status: criteria provided, single submitter. Criteria: GeneDx Variant Classification (06012015). Collection method: clinical testing. Allele origin: germline. Affected: yes.
Comment: This variant is considered likely benign or benign based on one or more of the following criteria: it is a conservative change, it occurs at a poorly conserved position in the protein, it is predicted to be benign by multiple in silico algorithms, and/or has population frequency not consistent with disease.

NM_033337.3(CAV3):c.129C>T (p.Asp43=)

Genes: CAV3 (caveolin 3; plus strand), OXTR (oxytocin receptor; minus strand). Cytogenetic location: 3p25.3.
Variant type: single nucleotide variant.
Coding change: c.129C>T on transcript NM_033337.3 (MANE Select); coding-DNA position 129, C replaced by T.
Protein change: p.Asp43=; no amino-acid change (aspartic acid 43 retained).
Molecular consequence: synonymous variant.
Genome position (GRCh38, 1-based): chr3:8,745,540, C>T. VCF-style: chr3-8745540-C-T. GRCh37 (hg19) VCF-style: chr3-8787226-C-T.
Other names: c.129C>T, p.Asp43= (NM_001234.5).
Identifiers: ClinVar variation 506389 (VCV000506389.15), dbSNP rs374584030, ClinGen allele CA2236325.